The following is an entry in ClinVar:

ClinVar aggregate classification (germline): Uncertain significance (1 of 4 stars; one submission).

Conditions:
Perlman syndrome (PRLMNS). Identifiers: Orphanet 2849, MedGen C0796113, MONDO:0009965, OMIM 267000.

Allele frequency attached by ClinVar (database versions not stated): gnomAD exomes below 0.00001.
gnomAD v4.1: 1 of 1,614,226 alleles (0.000062%); highest among the groups gnomAD compares: Non-Finnish European, 0.000085%; no homozygotes.

Submission:

Labcorp Genetics (formerly Invitae), Labcorp
Classification: Uncertain significance for Perlman syndrome. Last evaluated: 2025-08-21. Review status: criteria provided, single submitter. Criteria: Invitae Variant Classification Sherloc (09022015). Collection method: clinical testing. Allele origin: germline.
Comment: This sequence change replaces lysine, which is basic and polar, with arginine, which is basic and polar, at codon 537 of the DIS3L2 protein (p.Lys537Arg). This variant is not present in population databases (gnomAD no frequency). This variant has not been reported in the literature in individuals affected with DIS3L2-related conditions. ClinVar contains an entry for this variant (Variation ID: 1431122). Invitae Evidence Modeling of protein sequence and biophysical properties (such as structural, functional, and spatial information, amino acid conservation, physicochemical variation, residue mobility, and thermodynamic stability) indicates that this missense variant is not expected to disrupt DIS3L2 protein function with a negative predictive value of 80%. In summary, the available evidence is currently insufficient to determine the role of this variant in disease. Therefore, it has been classified as a Variant of Uncertain Significance.

NM_152383.5(DIS3L2):c.1610A>G (p.Lys537Arg)

Gene: DIS3L2 (DIS3 like 3'-5' exoribonuclease 2; plus strand). Cytogenetic location: 2q37.1.
Variant type: single nucleotide variant.
Coding change: c.1610A>G on transcript NM_152383.5 (MANE Select); coding-DNA position 1610, A replaced by G.
Protein change: p.Lys537Arg; replaces lysine 537 with arginine.
Molecular consequence: missense variant. On other transcripts: non-coding transcript variant (2), intron variant (1).
Genome position (GRCh38, 1-based): chr2:232,263,391, A>G. VCF-style: chr2-232263391-A-G. GRCh37 (hg19) VCF-style: chr2-233128101-A-G.
Other names: c.1581+29A>G (NM_001257281.2); short protein forms K537R.
Identifiers: ClinVar variation 1431122 (VCV001431122.8), dbSNP rs2106281321, ClinGen allele CA350975653.